The following is an entry in ClinVar:

NM_001330078.2(NRXN1):c.3071-17C>G

Gene: NRXN1 (neurexin 1; minus strand). Cytogenetic location: 2p16.3.
Variant type: single nucleotide variant.
Coding change: c.3071-17C>G on transcript NM_001330078.2 (MANE Select); 17 bases into the intron before coding-DNA position 3071, C replaced by G.
Molecular consequence: intron variant.
Genome position (GRCh38, 1-based): chr2:50,472,488, G>C on the plus strand (C>G on the coding strand, the complement: NRXN1 is on the minus strand). VCF-style: chr2-50472488-G-C. GRCh37 (hg19) VCF-style: chr2-50699626-G-C.
Other names: c.2960-17C>G (NM_001330096.2, NM_001330087.2); c.3005-17C>G (NM_001330083.2, NM_001330084.2); c.2990-17C>G (NM_001330088.2); c.3068-17C>G (NM_001330093.2); c.3059-17C>G (NM_001330094.2); c.3020-17C>G (NM_001330095.2); c.3047-17C>G (NM_001330082.2, NM_001330077.2); c.3044-17C>G (NM_001330085.2); and 2 more.
Identifiers: ClinVar variation 388819 (VCV000388819.4), dbSNP rs200354492, ClinGen allele CA1654661.

ClinVar aggregate classification (germline): Likely benign. Review status: criteria provided, multiple submitters, no conflicts (2 of 4 stars). 2 submissions from 2 submitters: Likely benign (2). Last evaluated 2025-07-07.

Conditions:
Pitt-Hopkins-like syndrome 2 (PTHSL2). Identifiers: Orphanet 221150, Orphanet 600663, MedGen C3280479, MONDO:0013690, OMIM 614325.

Allele frequency attached by ClinVar (database versions not stated): gnomAD 0.00003; gnomAD exomes 0.00003 and 0.00004; TOPMed 0.00003; ExAC 0.00005; ESP Exome Variant Server 0.00008.
gnomAD v4.1: 64 of 1,604,056 alleles (0.004%); highest among the groups gnomAD compares: Non-Finnish European, 0.0052%; no homozygotes.

Submissions (2):

Labcorp Genetics (formerly Invitae), Labcorp
Classification: Likely benign for Pitt-Hopkins-like syndrome 2. Last evaluated: 2025-07-07. Review status: criteria provided, single submitter. Criteria: Invitae Variant Classification Sherloc (09022015). Collection method: clinical testing. Allele origin: germline.

GeneDx
Classification: Likely benign. Last evaluated: 2016-08-22. Review status: criteria provided, single submitter. Criteria: GeneDx Variant Classification (06012015). Collection method: clinical testing. Allele origin: germline. Affected: yes.
Comment: This variant is considered likely benign or benign based on one or more of the following criteria: it is a conservative change, it occurs at a poorly conserved position in the protein, it is predicted to be benign by multiple in silico algorithms, and/or has population frequency not consistent with disease.